The following is an entry in ClinVar:

NM_139319.3(SLC17A8):c.889G>A (p.Val297Met)

Gene: SLC17A8 (solute carrier family 17 member 8; plus strand). Cytogenetic location: 12q23.1.
Variant type: single nucleotide variant.
Coding change: c.889G>A on transcript NM_139319.3 (MANE Select); coding-DNA position 889, G replaced by A.
Protein change: p.Val297Met; replaces valine 297 with methionine.
Molecular consequence: missense variant.
Genome position (GRCh38, 1-based): chr12:100,402,465, G>A. VCF-style: chr12-100402465-G-A. GRCh37 (hg19) VCF-style: chr12-100796243-G-A.
Other names: c.889G>A, p.Val297Met (NM_001145288.2); short protein forms V297M.
Identifiers: ClinVar variation 3370982 (VCV003370982.1).
Genomic context (GRCh38, chr12:100,402,465, plus strand): 5'-CCAACAATATCCAATGAGGAGAAGACCTATATAGAGACAAGCATAGGAGAGGGGGCCAAC[G>A]TGGTTAGTCTAAGTGTAAGTATAAAAAGTCAGATGAAGACTTACCTTTTTTCATAAGTGA-3'
Protein context (NP_647480.1, residues 287-307): IETSIGEGAN[Val297Met]VSLSKFSTPW

ClinVar aggregate classification (germline): Uncertain significance (1 of 4 stars; one submission).

gnomAD v4.1: 4 of 1,613,948 alleles (0.00025%); highest among the groups gnomAD compares: East Asian, 0.0022%; no homozygotes.

Submission:

GeneDx
Classification: Uncertain significance. Last evaluated: 2024-03-15. Review status: criteria provided, single submitter. Criteria: GeneDx Variant Classification Process June 2021. Collection method: clinical testing. Allele origin: germline. Affected: yes.
Comment: Not observed at significant frequency in large population cohorts (gnomAD); In silico analysis supports that this missense variant does not alter protein structure/function; Has not been previously published as pathogenic or benign to our knowledge